The following is an entry in ClinVar:

NM_005121.3(MED13):c.13T>C (p.Phe5Leu)

Genes: MED13 (mediator complex subunit 13; minus strand), LOC130061364 (ATAC-STARR-seq lymphoblastoid silent region 8803; plus strand). Cytogenetic location: 17q23.2.
Variant type: single nucleotide variant.
Coding change: c.13T>C on transcript NM_005121.3 (MANE Select); coding-DNA position 13, T replaced by C.
Protein change: p.Phe5Leu; replaces phenylalanine 5 with leucine.
Molecular consequence: missense variant.
Genome position (GRCh38, 1-based): chr17:62,065,193, A>G on the plus strand (T>C on the coding strand, the complement: MED13 is on the minus strand). VCF-style: chr17-62065193-A-G. GRCh37 (hg19) VCF-style: chr17-60142554-A-G.
Other names: short protein forms F5L.
Identifiers: ClinVar variation 2648024 (VCV002648024.24), dbSNP rs2509231927, ClinGen allele CA400787857.

ClinVar aggregate classification (germline): Uncertain significance (1 of 4 stars; one submission).

Submission:

CeGaT Center for Human Genetics Tuebingen
Classification: Uncertain significance. Last evaluated: 2022-05-01. Review status: criteria provided, single submitter. Criteria: CeGaT Center For Human Genetics Tuebingen Variant Classification Criteria Version 2. Collection method: clinical testing. Allele origin: germline. Affected: yes. Observed: 1 variant allele.
Comment: MED13: PM2